The following is an entry in ClinVar:

ClinVar aggregate classification (germline): Uncertain significance (1 of 4 stars; one submission).

Conditions:
Developmental and epileptic encephalopathy 94 (DEE94). Also called: Epileptic encephalopathy, childhood-onset; CHD2-Related Neurodevelopmental Disorders. Identifiers: Orphanet 1942, Orphanet 2382, MedGen C3809278, MONDO:0014150, OMIM 615369.

gnomAD v4.1: 2 of 1,614,072 alleles (0.00012%); highest among the groups gnomAD compares: African/African-American, 0.0013%; no homozygotes.

Submission:

Labcorp Genetics (formerly Invitae), Labcorp
Classification: Uncertain significance for Developmental and epileptic encephalopathy 94. Last evaluated: 2024-04-01. Review status: criteria provided, single submitter. Criteria: Invitae Variant Classification Sherloc (09022015). Collection method: clinical testing. Allele origin: germline.
Comment: This sequence change replaces serine, which is neutral and polar, with leucine, which is neutral and non-polar, at codon 1584 of the CHD2 protein (p.Ser1584Leu). This variant is present in population databases (no rsID available, gnomAD 0.01%). This variant has not been reported in the literature in individuals affected with CHD2-related conditions. Advanced modeling of protein sequence and biophysical properties (such as structural, functional, and spatial information, amino acid conservation, physicochemical variation, residue mobility, and thermodynamic stability) performed at Invitae indicates that this missense variant is not expected to disrupt CHD2 protein function with a negative predictive value of 95%. In summary, the available evidence is currently insufficient to determine the role of this variant in disease. Therefore, it has been classified as a Variant of Uncertain Significance.

NM_001271.4(CHD2):c.4751C>T (p.Ser1584Leu)

Gene: CHD2 (chromodomain helicase DNA binding protein 2; plus strand). Cytogenetic location: 15q26.1.
Variant type: single nucleotide variant.
Coding change: c.4751C>T on transcript NM_001271.4 (MANE Select); coding-DNA position 4751, C replaced by T.
Protein change: p.Ser1584Leu; replaces serine 1584 with leucine.
Molecular consequence: missense variant.
Genome position (GRCh38, 1-based): chr15:93,014,754, C>T. VCF-style: chr15-93014754-C-T. GRCh37 (hg19) VCF-style: chr15-93557984-C-T.
Other names: short protein forms S1584L.
Identifiers: ClinVar variation 3604398 (VCV003604398.2).
Genomic context (GRCh38, chr15:93,014,754, plus strand): 5'-AGGAGCAAAAGAAGAAAGACGACGTGACTGGGGGTAAGAAACCATTTCGTCCAGAGGCCT[C>T]AGGCTCCAGCCGGGACTCTCTGATATCTCAGTCCCATACCTCACACAACCTTCACCCTCA-3'
Protein context (NP_001262.3, residues 1574-1594): GGKKPFRPEA[Ser1584Leu]GSSRDSLISQ